The following is an entry in ClinVar:

NM_006904.7(PRKDC):c.6287C>A (p.Pro2096His)

Gene: PRKDC (protein kinase, DNA-activated, catalytic subunit; minus strand). Cytogenetic location: 8q11.21.
Variant type: single nucleotide variant.
Coding change: c.6287C>A on transcript NM_006904.7 (MANE Select); coding-DNA position 6287, C replaced by A.
Protein change: p.Pro2096His; replaces proline 2096 with histidine.
Molecular consequence: missense variant.
Genome position (GRCh38, 1-based): chr8:47,858,907, G>T on the plus strand (C>A on the coding strand, the complement: PRKDC is on the minus strand). VCF-style: chr8-47858907-G-T. GRCh37 (hg19) VCF-style: chr8-48771468-G-T.
Other names: c.6287C>A, p.Pro2096His (NM_001081640.2); short protein forms P2096H.
Identifiers: ClinVar variation 1752622 (VCV001752622.2), dbSNP rs2551870084, ClinGen allele CA371160931.

ClinVar aggregate classification (germline): Uncertain significance (1 of 4 stars; one submission).

Submission:

Ambry Genetics
Classification: Uncertain significance. Last evaluated: 2022-01-27. Review status: criteria provided, single submitter. Criteria: Ambry Variant Classification Scheme 2023. Collection method: clinical testing. Allele origin: germline.
Comment: The p.P2096H variant (also known as c.6287C>A), located in coding exon 47 of the PRKDC gene, results from a C to A substitution at nucleotide position 6287. The proline at codon 2096 is replaced by histidine, an amino acid with similar properties. This amino acid position is conserved. Since supporting evidence is limited at this time, the clinical significance of this alteration remains unclear.